The following is an entry in ClinVar:

NM_003002.4(SDHD):c.301C>T (p.Leu101Phe)

Gene: SDHD (succinate dehydrogenase complex subunit D; plus strand). Cytogenetic location: 11q23.1.
Variant type: single nucleotide variant.
Coding change: c.301C>T on transcript NM_003002.4 (MANE Select); coding-DNA position 301, C replaced by T.
Protein change: p.Leu101Phe; replaces leucine 101 with phenylalanine.
Molecular consequence: missense variant. On other transcripts: non-coding transcript variant (1), intron variant (1).
Genome position (GRCh38, 1-based): chr11:112,088,998, C>T. VCF-style: chr11-112088998-C-T. GRCh37 (hg19) VCF-style: chr11-111959722-C-T.
Other names: c.184C>T, p.Leu62Phe (NM_001276504.2); c.301C>T, p.Leu101Phe (NM_001276506.2); c.169+1025C>T (NM_001276503.2); c.301C>T (NM_003002.2); short protein forms L101F, L62F.
Identifiers: ClinVar variation 1376583 (VCV001376583.10), dbSNP rs1165258369, ClinGen allele CA382617408.
Genomic context (GRCh38, chr11:112,088,998, plus strand): 5'-CCGGCTGCTTATTTGAATCCTTGCTCTGCGATGGACTATTCCCTGGCTGCAGCCCTCACT[C>T]TTCATGGTCACTGGCAAGTATAGCAATTCCAAATATAGTTGTCTGCTCAGTTTGTTTGCT-3'
Protein context (NP_002993.1, residues 91-111): MDYSLAAALT[Leu101Phe]HGHWGLGQVV

ClinVar aggregate classification (germline): Uncertain significance. Review status: criteria provided, multiple submitters, no conflicts (2 of 4 stars). 2 submissions from 2 submitters: Uncertain significance (2). Last evaluated 2024-02-20.

Conditions:
Hereditary cancer-predisposing syndrome. Also called: Neoplastic Syndromes, Hereditary; Hereditary Cancer Syndrome; Tumor predisposition; Hereditary neoplastic syndrome. Identifiers: Orphanet 140162, MedGen C0027672, MeSH D009386, MONDO:0015356.
Carney-Stratakis syndrome. Also called: PARAGANGLIOMA AND GASTROINTESTINAL STROMAL TUMOR. Identifiers: Orphanet 97286, MedGen C1847319, MONDO:0011740, OMIM 606864.
Pheochromocytoma. Also called: MAX-Related Hereditary Paraganglioma-Pheochromocytoma Syndrome. Identifiers: Orphanet 29072, MedGen C0031511, MONDO:0008233, OMIM 171300, HP:0002666.
Paragangliomas with sensorineural hearing loss. Identifiers: MedGen C1868633.
Cowden syndrome 3 (CWS3). Identifiers: Orphanet 201, MedGen CN166604, MONDO:0014045.

Allele frequency attached by ClinVar (database versions not stated): gnomAD exomes below 0.00001; TOPMed below 0.00001; gnomAD 0.00001.
gnomAD v4.1: 2 of 1,614,074 alleles (0.00012%); highest among the groups gnomAD compares: Non-Finnish European, 0.00017%; no homozygotes.

Submissions (2):

Labcorp Genetics (formerly Invitae), Labcorp
Classification: Uncertain significance for Carney-Stratakis syndrome; Paragangliomas with sensorineural hearing loss; Pheochromocytoma; Cowden syndrome 3. Last evaluated: 2024-02-20. Review status: criteria provided, single submitter. Criteria: Invitae Variant Classification Sherloc (09022015). Collection method: clinical testing. Allele origin: germline.
Comment: This sequence change replaces leucine, which is neutral and non-polar, with phenylalanine, which is neutral and non-polar, at codon 101 of the SDHD protein (p.Leu101Phe). This variant is present in population databases (no rsID available, gnomAD 0.0009%). This variant has not been reported in the literature in individuals affected with SDHD-related conditions. ClinVar contains an entry for this variant (Variation ID: 1376583). Advanced modeling of protein sequence and biophysical properties (such as structural, functional, and spatial information, amino acid conservation, physicochemical variation, residue mobility, and thermodynamic stability) has been performed at Invitae for this missense variant, however the output from this modeling did not meet the statistical confidence thresholds required to predict the impact of this variant on SDHD protein function. In summary, the available evidence is currently insufficient to determine the role of this variant in disease. Therefore, it has been classified as a Variant of Uncertain Significance.

Ambry Genetics
Classification: Uncertain significance for Hereditary cancer-predisposing syndrome. Last evaluated: 2023-09-01. Review status: criteria provided, single submitter. Criteria: Ambry Variant Classification Scheme 2023. Collection method: clinical testing. Allele origin: germline.
Comment: The p.L101F variant (also known as c.301C>T), located in coding exon 3 of the SDHD gene, results from a C to T substitution at nucleotide position 301. The leucine at codon 101 is replaced by phenylalanine, an amino acid with highly similar properties. This amino acid position is conserved. In addition, this alteration is predicted to be deleterious by in silico analysis. Since supporting evidence is limited at this time, the clinical significance of this alteration remains unclear.